The following is an entry in ClinVar:

ClinVar aggregate classification (germline): Benign. Review status: criteria provided, multiple submitters, no conflicts (2 of 4 stars). 4 submissions from 4 submitters: Benign (4). Last evaluated 2026-01-21.

Conditions:
Deficiency of isobutyryl-CoA dehydrogenase. Also called: ACYL-CoA DEHYDROGENASE FAMILY, MEMBER 8, DEFICIENCY OF; IBD DEFICIENCY; ACAD8 DEFICIENCY. Identifiers: Orphanet 79159, MedGen C1969809, MONDO:0012648, OMIM 611283.

Allele frequency attached by ClinVar (database versions not stated): gnomAD exomes 0.00433 and 0.01167; ExAC 0.01607; gnomAD 0.04484 and 0.04799; 1000 Genomes Project 0.04812; 1000 Genomes Project 30x 0.05137; TOPMed 0.05182; ESP Exome Variant Server 0.05425.
gnomAD v4.1: 13,372 of 1,609,356 alleles (0.83%); highest among the groups gnomAD compares: African/African-American, 16%; 961 homozygotes.

Submissions (4):

Labcorp Genetics (formerly Invitae), Labcorp
Classification: Benign for Deficiency of isobutyryl-CoA dehydrogenase. Last evaluated: 2026-01-21. Review status: criteria provided, single submitter. Criteria: Invitae Variant Classification Sherloc (09022015). Collection method: clinical testing. Allele origin: germline.

Illumina Laboratory Services, Illumina
Classification: Benign for Deficiency of isobutyryl-CoA dehydrogenase. Last evaluated: 2018-01-13. Review status: criteria provided, single submitter. Criteria: ICSL Variant Classification Criteria 13 December 2019. Collection method: clinical testing. Allele origin: germline.
Comment: This variant was observed in the ICSL laboratory as part of a predisposition screen in an ostensibly healthy population. It had not been previously curated by ICSL or reported in the Human Gene Mutation Database (HGMD: prior to June 1st, 2018), and was therefore a candidate for classification through an automated scoring system. Utilizing variant allele frequency, disease prevalence and penetrance estimates, and inheritance mode, an automated score was calculated to assess if this variant is too frequent to cause the disease. Based on the score and internal cut-off values, a variant classified as benign is not then subjected to further curation. The score for this variant resulted in a classification of benign for this disease.

Eurofins Ntd Llc (ga)
Classification: Benign. Last evaluated: 2017-02-10. Review status: criteria provided, single submitter. Criteria: EGL Classification Definitions 2015. Collection method: clinical testing. Allele origin: germline. Observed: 3 variant alleles, 3 heterozygotes.

Breakthrough Genomics
Classification: Benign. Review status: criteria provided, single submitter. Criteria: ACMG Guidelines, 2015. Collection method: not provided. Allele origin: germline. Inheritance: Autosomal recessive inheritance. Affected: yes.

NM_014384.3(ACAD8):c.1195+12C>T

Gene: ACAD8 (acyl-CoA dehydrogenase family member 8; plus strand). Cytogenetic location: 11q25.
Variant type: single nucleotide variant.
Coding change: c.1195+12C>T on transcript NM_014384.3 (MANE Select); 12 bases into the intron after coding-DNA position 1195, C replaced by T.
Molecular consequence: intron variant.
Genome position (GRCh38, 1-based): chr11:134,262,634, C>T. VCF-style: chr11-134262634-C-T. GRCh37 (hg19) VCF-style: chr11-134132528-C-T.
Identifiers: ClinVar variation 303685 (VCV000303685.18), dbSNP rs75333832, ClinGen allele CA6373251.